The following is an entry in ClinVar:

ClinVar aggregate classification (germline): Uncertain significance (1 of 4 stars; one submission).

gnomAD v4.1: 1 of 1,614,052 alleles (0.000062%); highest among the groups gnomAD compares: African/African-American, 0.0013%; no homozygotes.

Submission:

Ambry Genetics
Classification: Uncertain significance. Last evaluated: 2025-05-02. Review status: criteria provided, single submitter. Criteria: Ambry Variant Classification Scheme 2023. Collection method: clinical testing. Allele origin: germline.
Comment: The p.A1211V variant (also known as c.3632C>T), located in coding exon 13 of the CDK12 gene, results from a C to T substitution at nucleotide position 3632. The alanine at codon 1211 is replaced by valine, an amino acid with similar properties. This amino acid position is conserved. In addition, the in silico prediction for this alteration is inconclusive. Based on the available evidence, the clinical significance of this variant remains unclear.

NM_016507.4(CDK12):c.3632C>T (p.Ala1211Val)

Gene: CDK12 (cyclin dependent kinase 12; plus strand). Cytogenetic location: 17q12.
Variant type: single nucleotide variant.
Coding change: c.3632C>T on transcript NM_016507.4 (MANE Select); coding-DNA position 3632, C replaced by T.
Protein change: p.Ala1211Val; replaces alanine 1211 with valine.
Molecular consequence: missense variant.
Genome position (GRCh38, 1-based): chr17:39,526,188, C>T. VCF-style: chr17-39526188-C-T. GRCh37 (hg19) VCF-style: chr17-37682441-C-T.
Other names: c.3632C>T, p.Ala1211Val (NM_015083.4); short protein forms A1211V.
Identifiers: ClinVar variation 3999416 (VCV003999416.1).